The following is an entry in ClinVar:

NM_004656.4(BAP1):c.38-16T>C

Gene: BAP1 (BRCA1 associated deubiquitinase 1; minus strand). Cytogenetic location: 3p21.1.
Variant type: single nucleotide variant.
Coding change: c.38-16T>C on transcript NM_004656.4 (MANE Select); 16 bases into the intron before coding-DNA position 38, T replaced by C.
Molecular consequence: intron variant.
Genome position (GRCh38, 1-based): chr3:52,409,759, A>G on the plus strand (T>C on the coding strand, the complement: BAP1 is on the minus strand). VCF-style: chr3-52409759-A-G. GRCh37 (hg19) VCF-style: chr3-52443775-A-G.
Other names: c.38-16T>C (NM_001410772.1).
Identifiers: ClinVar variation 3379164 (VCV003379164.1).
Genomic context (GRCh38, chr3:52,409,759, plus strand): 5'-AGAAAAGGCTCTTACCGAAATCTTCCACGAGCAGGGTGAAGAGGCCTGGGTGGGGCGACA[A>G]GAGGAGGGGGTGATGGTCAGGCAGGCGCGTCCCGGGCCCATCCGGCCTCCCCAGCCCCTG-3'

ClinVar aggregate classification (germline): Likely benign (1 of 4 stars; one submission).

Conditions:
BAP1-related tumor predisposition syndrome (TPDS1). Also called: BAP1 tumor predisposition syndrome; Tumor susceptibility linked to germline BAP1 mutations; COMMON Syndrome; TUMOR PREDISPOSITION SYNDROME 1. Identifiers: Orphanet 289539, MedGen C3280492, MONDO:0013692, OMIM 614327.

gnomAD v4.1: 1 of 1,613,748 alleles (0.000062%); highest among the groups gnomAD compares: Non-Finnish European, 0.000085%; no homozygotes.

Submission:

Myriad Genetics, Inc.
Classification: Likely benign for BAP1-related tumor predisposition syndrome. Last evaluated: 2024-07-11. Review status: criteria provided, single submitter. Criteria: Myriad Autosomal Dominant, Autosomal Recessive and X-Linked Classification Criteria (2023). Collection method: clinical testing. Allele origin: unknown.
Comment: This variant is considered likely benign. This variant is intronic and is not expected to impact mRNA splicing.